The following is an entry in ClinVar:

NM_000395.3(CSF2RB):c.1399G>A (p.Gly467Arg)

Gene: CSF2RB (colony stimulating factor 2 receptor subunit beta; plus strand). Cytogenetic location: 22q12.3.
Variant type: single nucleotide variant.
Coding change: c.1399G>A on transcript NM_000395.3 (MANE Select); coding-DNA position 1399, G replaced by A.
Protein change: p.Gly467Arg; replaces glycine 467 with arginine.
Molecular consequence: missense variant.
Genome position (GRCh38, 1-based): chr22:36,935,434, G>A. VCF-style: chr22-36935434-G-A. GRCh37 (hg19) VCF-style: chr22-37331476-G-A.
Other names: short protein forms G467R.
Identifiers: ClinVar variation 1462777 (VCV001462777.9), dbSNP rs1290001450, ClinGen allele CA411409333.

ClinVar aggregate classification (germline): Uncertain significance (1 of 4 stars; one submission).

Allele frequency attached by ClinVar (database versions not stated): gnomAD exomes below 0.00001; TOPMed below 0.00001; gnomAD 0.00001.
gnomAD v4.1: 8 of 1,614,010 alleles (0.0005%); highest among the groups gnomAD compares: Admixed American, 0.0017%; no homozygotes.

Submissions (2):

Labcorp Genetics (formerly Invitae), Labcorp
Classification: Uncertain significance. Last evaluated: 2021-04-11. Review status: criteria provided, single submitter. Criteria: Invitae Variant Classification Sherloc (09022015). Collection method: clinical testing. Allele origin: germline.
Comment: Algorithms developed to predict the effect of sequence changes on RNA splicing suggest that this variant may create or strengthen a splice site, but this prediction has not been confirmed by published transcriptional studies. Algorithms developed to predict the effect of missense changes on protein structure and function are either unavailable or do not agree on the potential impact of this missense change (SIFT: "Deleterious"; PolyPhen-2: "Possibly Damaging"; Align-GVGD: "Class C0"). This variant has not been reported in the literature in individuals with CSF2RB-related conditions. This variant is not present in population databases (ExAC no frequency). This sequence change replaces glycine with arginine at codon 467 of the CSF2RB protein (p.Gly467Arg). The glycine residue is moderately conserved and there is a moderate physicochemical difference between glycine and arginine. In summary, the available evidence is currently insufficient to determine the role of this variant in disease. Therefore, it has been classified as a Variant of Uncertain Significance.

Dr. Peter K. Rogan Lab, Western University
No classification provided (evidence only). Condition: Gastric cancer. Review status: no classification provided. Collection method: in vitro. Allele origin: not applicable. Functional consequence: retained intron. Not counted in ClinVar's aggregate classification.